The following is an entry in ClinVar:

NM_015909.4(NBAS):c.5997G>T (p.Glu1999Asp)

Gene: NBAS (NBAS subunit of NRZ tethering complex; minus strand). Cytogenetic location: 2p24.3.
Variant type: single nucleotide variant.
Coding change: c.5997G>T on transcript NM_015909.4 (MANE Select); coding-DNA position 5997, G replaced by T.
Protein change: p.Glu1999Asp; replaces glutamic acid 1999 with aspartic acid.
Molecular consequence: missense variant. On other transcripts: non-coding transcript variant (1).
Genome position (GRCh38, 1-based): chr2:15,234,694, C>A on the plus strand (G>T on the coding strand, the complement: NBAS is on the minus strand). VCF-style: chr2-15234694-C-A. GRCh37 (hg19) VCF-style: chr2-15374818-C-A.
Other names: short protein forms E1999D.
Identifiers: ClinVar variation 1442131 (VCV001442131.7), dbSNP rs146811814, ClinGen allele CA345889097.
Genomic context (GRCh38, chr2:15,234,694, plus strand): 5'-CTGAATCATTGCTAGAGGCTGACCATCTAAACAAATAGCCACAGCTTCATCATGAAGTTT[C>A]TCTTTTTCTGATCGGGACAGATCATAGAGGTGACTGTATTTTTGCAGTGTTTCCTGTAAA-3'
Protein context (NP_056993.2, residues 1989-2009): HLYDLSRSEK[Glu1999Asp]KLHDEAVAIC

ClinVar aggregate classification (germline): Uncertain significance (1 of 4 stars; one submission).

gnomAD v4.1: 2 of 1,614,046 alleles (0.00012%); highest among the groups gnomAD compares: African/African-American, 0.0027%; no homozygotes.

Submission:

Labcorp Genetics (formerly Invitae), Labcorp
Classification: Uncertain significance. Last evaluated: 2022-08-21. Review status: criteria provided, single submitter. Criteria: Invitae Variant Classification Sherloc (09022015). Collection method: clinical testing. Allele origin: germline.
Comment: In summary, the available evidence is currently insufficient to determine the role of this variant in disease. Therefore, it has been classified as a Variant of Uncertain Significance. Algorithms developed to predict the effect of missense changes on protein structure and function are either unavailable or do not agree on the potential impact of this missense change (SIFT: "Deleterious"; PolyPhen-2: "Benign"; Align-GVGD: "Class C35"). ClinVar contains an entry for this variant (Variation ID: 1442131). This variant has not been reported in the literature in individuals affected with NBAS-related conditions. This variant is not present in population databases (gnomAD no frequency). This sequence change replaces glutamic acid, which is acidic and polar, with aspartic acid, which is acidic and polar, at codon 1999 of the NBAS protein (p.Glu1999Asp).